The following is an entry in ClinVar:

NM_000051.4(ATM):c.5521_5522del (p.Val1841fs)

Gene: ATM (ATM serine/threonine kinase; plus strand). Cytogenetic location: 11q22.3.
Variant type: Deletion.
Coding change: c.5521_5522del on transcript NM_000051.4 (MANE Select); coding-DNA positions 5521 to 5522, 2 bases deleted (GT; older notation c.5521_5522delGT).
Protein change: p.Val1841fs; shifts the reading frame from valine 1841.
Molecular consequence: frameshift variant.
Genome position (GRCh38, 1-based): chr11:108,304,699-108,304,700, GT deleted; deleting any 2 consecutive bases within chr11:108,304,698-108,304,700 gives the same sequence; the c. name uses the placement nearest the transcript's 3' end. VCF-style (leftmost placement, unchanged base first): chr11-108304697-CTG-C. GRCh37 (hg19) VCF-style: chr11-108175424-CTG-C.
Other names: c.5521_5522delGT (NM_000051.3); c.5521_5522del, p.Val1841fs (NM_001351834.2); short protein forms V1841fs.
Identifiers: ClinVar variation 545814 (VCV000545814.4), dbSNP rs1555107293, ClinGen allele CA658822134.
Genomic context (GRCh38, chr11:108,304,697, plus strand): 5'-TACTCAAACTATTGGGTGGATTTGTTTGTATATTCTAGGTGAAAACTGACTTTTGTCAGA[CTG>C]TACTTCCATACTTGATTCATGATATTTTACTCCAAGATACAAATGAATCATGGAGAAATC-3'

ClinVar aggregate classification (germline): Pathogenic/Likely pathogenic. Review status: criteria provided, multiple submitters, no conflicts (2 of 4 stars). 3 submissions from 3 submitters: Pathogenic (2); Likely pathogenic (1). Last evaluated 2025-07-03.

Conditions:
Hereditary cancer-predisposing syndrome. Also called: Neoplastic Syndromes, Hereditary; Hereditary neoplastic syndrome; Tumor predisposition; Hereditary Cancer Syndrome. Identifiers: Orphanet 140162, MedGen C0027672, MeSH D009386, MONDO:0015356.
Ataxia-telangiectasia syndrome (AT). Also called: Ataxia-telangiectasia, complementation group D; ATAXIA-TELANGIECTASIA, COMPLEMENTATION GROUP A; ATAXIA-TELANGIECTASIA, FRESNO VARIANT; Ataxia-telangiectasia; LOUIS-BAR SYNDROME; AT, COMPLEMENTATION GROUP C. Identifiers: Orphanet 100, MedGen C0004135, MONDO:0008840, OMIM 208900.

Submissions (3):

Ambry Genetics
Classification: Pathogenic for Hereditary cancer-predisposing syndrome. Last evaluated: 2025-07-03. Review status: criteria provided, single submitter. Criteria: Ambry Variant Classification Scheme 2023. Collection method: clinical testing. Allele origin: germline.
Comment: The c.5521_5522delGT pathogenic mutation, located in coding exon 36 of the ATM gene, results from a deletion of two nucleotides at nucleotide positions 5521 to 5522, causing a translational frameshift with a predicted alternate stop codon (p.V1841Tfs*7). This variant is considered to be rare based on population cohorts in the Genome Aggregation Database (gnomAD). This alteration is expected to result in loss of function by premature protein truncation or nonsense-mediated mRNA decay. As such, this alteration is interpreted as a disease-causing mutation.

3billion
Classification: Pathogenic for Ataxia-telangiectasia syndrome. Last evaluated: 2022-09-01. Review status: criteria provided, single submitter. Criteria: ACMG Guidelines, 2015. Collection method: clinical testing. Allele origin: germline. Affected: yes. Observed: 1 homozygote.
Comment: The variant is not observed in the gnomAD v2.1.1 dataset. Frameshift variant is predicted to result in a loss or disruption of normal protein function through nonsense-mediated decay (NMD) or protein truncation. Multiple pathogenic variants are reported downstream of the variant. The variant has been reported to be associated with ATM-related disorder (ClinVar ID: VCV000545814). Therefore, this variant is classified as Pathogenic according to the recommendation of ACMG/AMP guideline.

GeneDx
Classification: Likely pathogenic. Last evaluated: 2017-08-10. Review status: criteria provided, single submitter. Criteria: GeneDx Variant Classification (06012015). Collection method: clinical testing. Allele origin: germline. Affected: yes.
Comment: This deletion of two nucleotides in ATM is denoted c.5521_5522delGT at the cDNA level and p.Val1841ThrfsX7 (V1841TfsX7) at the protein level. The normal sequence, with the bases that are deleted in brackets, is GACT[delGT]ACTT. The deletion causes a frameshift which changes a Valine to a Threonine at codon 1841, and creates a premature stop codon at position 7 of the new reading frame. Although this variant has not, to our knowledge, been reported in the literature, it is predicted to cause loss of normal protein function through either protein truncation or nonsense-mediated mRNA decay. Based on the currently available information, we consider this deletion to be a likely pathogenic variant.